The following is an entry in ClinVar:

NM_001710.6(CFB):c.1493A>G (p.Lys498Arg)

Gene: CFB (complement factor B; plus strand). Cytogenetic location: 6p21.33.
Variant type: single nucleotide variant.
Coding change: c.1493A>G on transcript NM_001710.6 (MANE Select); coding-DNA position 1493, A replaced by G.
Protein change: p.Lys498Arg; replaces lysine 498 with arginine.
Molecular consequence: missense variant.
Genome position (GRCh38, 1-based): chr6:31,950,134, A>G. VCF-style: chr6-31950134-A-G. GRCh37 (hg19) VCF-style: chr6-31917911-A-G.
Other names: short protein forms K498R.
Identifiers: ClinVar variation 1722133 (VCV001722133.5), dbSNP rs1179110747, ClinGen allele CA363405778.
Genomic context (GRCh38, chr6:31,950,134, plus strand): 5'-GTGGCATGGTTTGGGAACACAGGAAGGGTACCGATTACCACAAGCAACCATGGCAGGCCA[A>G]GATCTCAGTCATTGTAAGCACAGAATCCCAGTAGTGGGGACTTGGGGGAGGTGAGGTCAA-3'
Protein context (NP_001701.2, residues 488-508): TDYHKQPWQA[Lys498Arg]ISVIRPSKGH

ClinVar aggregate classification (germline): Uncertain significance (1 of 4 stars; one submission).

Allele frequency attached by ClinVar (database versions not stated): gnomAD 0.00001.
gnomAD v4.1: 1 of 1,612,970 alleles (0.000062%); highest among the groups gnomAD compares: African/African-American, 0.0013%; no homozygotes.

Submission:

Labcorp Genetics (formerly Invitae), Labcorp
Classification: Uncertain significance. Last evaluated: 2022-10-25. Review status: criteria provided, single submitter. Criteria: Invitae Variant Classification Sherloc (09022015). Collection method: clinical testing. Allele origin: germline.
Comment: This sequence change replaces lysine, which is basic and polar, with arginine, which is basic and polar, at codon 498 of the CFB protein (p.Lys498Arg). This variant is present in population databases (no rsID available, gnomAD 0.01%). This variant has not been reported in the literature in individuals affected with CFB-related conditions. Advanced modeling of protein sequence and biophysical properties (such as structural, functional, and spatial information, amino acid conservation, physicochemical variation, residue mobility, and thermodynamic stability) performed at Invitae indicates that this missense variant is not expected to disrupt CFB protein function. In summary, the available evidence is currently insufficient to determine the role of this variant in disease. Therefore, it has been classified as a Variant of Uncertain Significance.